The following is an entry in ClinVar:

ClinVar aggregate classification (germline): Uncertain significance (1 of 4 stars; one submission).

Submission:

Greenwood Genetic Center Diagnostic Laboratories, Greenwood Genetic Center
Classification: Uncertain significance. Last evaluated: 2024-01-11. Review status: criteria provided, single submitter. Criteria: ACMG Guidelines, 2015. Collection method: clinical testing. Allele origin: germline. Affected: yes.
Comment: PM2

NM_001368397.1(FRMPD4):c.3640C>G (p.Gln1214Glu)

Gene: FRMPD4 (FERM and PDZ domain containing 4; plus strand). Cytogenetic location: Xp22.2.
Variant type: single nucleotide variant.
Coding change: c.3640C>G on transcript NM_001368397.1 (MANE Select); coding-DNA position 3640, C replaced by G.
Protein change: p.Gln1214Glu; replaces glutamine 1214 with glutamic acid.
Molecular consequence: missense variant.
Genome position (GRCh38, 1-based): chrX:12,718,466, C>G. VCF-style: chrX-12718466-C-G. GRCh37 (hg19) VCF-style: chrX-12736585-C-G.
Other names: c.3751C>G, p.Gln1251Glu (NM_001368395.3, NM_001368398.3); c.3646C>G, p.Gln1216Glu (NM_001368396.3); c.3631C>G, p.Gln1211Glu (NM_001368399.3); c.3520C>G, p.Gln1174Glu (NM_001368400.3); c.3616C>G, p.Gln1206Glu (NM_001368401.1, NM_001368402.3); c.3640C>G, p.Gln1214Glu (NM_014728.3); short protein forms Q1174E, Q1206E, Q1211E, Q1214E, Q1216E, Q1251E.
Identifiers: ClinVar variation 3235832 (VCV003235832.1), dbSNP rs2519867999, ClinGen allele CA412321542.